The following is an entry in ClinVar:

ClinVar aggregate classification (germline): Uncertain significance (1 of 4 stars; one submission).

Submission:

GeneDx
Classification: Uncertain significance. Last evaluated: 2025-01-28. Review status: criteria provided, single submitter. Criteria: GeneDx Variant Classification Process June 2021. Collection method: clinical testing. Allele origin: germline. Affected: yes.
Comment: Not observed at significant frequency in large population cohorts (gnomAD); In silico analysis indicates that this missense variant does not alter protein structure/function; Has not been previously published as pathogenic or benign to our knowledge

NM_014915.3(ANKRD26):c.5008G>C (p.Glu1670Gln)

Gene: ANKRD26 (ankyrin repeat domain containing 26; minus strand). Cytogenetic location: 10p12.1.
Variant type: single nucleotide variant.
Coding change: c.5008G>C on transcript NM_014915.3 (MANE Select); coding-DNA position 5008, G replaced by C.
Protein change: p.Glu1670Gln; replaces glutamic acid 1670 with glutamine.
Molecular consequence: missense variant.
Genome position (GRCh38, 1-based): chr10:27,005,715, C>G on the plus strand (G>C on the coding strand, the complement: ANKRD26 is on the minus strand). VCF-style: chr10-27005715-C-G. GRCh37 (hg19) VCF-style: chr10-27294644-C-G.
Other names: c.5005G>C, p.Glu1669Gln (NM_001256053.2); short protein forms E1669Q, E1670Q.
Identifiers: ClinVar variation 4071910 (VCV004071910.1).